The following is an entry in ClinVar:

NM_001429.4(EP300):c.3591-6C>T

Gene: EP300 (EP300 lysine acetyltransferase; plus strand). Cytogenetic location: 22q13.2.
Variant type: single nucleotide variant.
Coding change: c.3591-6C>T on transcript NM_001429.4 (MANE Select); 6 bases into the intron before coding-DNA position 3591, C replaced by T.
Molecular consequence: intron variant.
Genome position (GRCh38, 1-based): chr22:41,160,636, C>T. VCF-style: chr22-41160636-C-T. GRCh37 (hg19) VCF-style: chr22-41556640-C-T.
Other names: c.3513-6C>T (NM_001362843.2).
Identifiers: ClinVar variation 195474 (VCV000195474.29), dbSNP rs368437789, ClinGen allele CA241917.

ClinVar aggregate classification (germline): Conflicting classifications of pathogenicity. Review status: criteria provided, conflicting classifications (1 of 4 stars). 6 submissions from 6 submitters: Uncertain significance (1); Likely benign (4). 1 of the submissions does not count toward it. Last evaluated 2026-01-15.

Conditions:
EP300-related disorder. Also called: EP300-related condition; EP300-related disorders.
Rubinstein-Taybi syndrome due to EP300 haploinsufficiency. Also called: RUBINSTEIN-TAYBI SYNDROME 2; EP300-Related Rubinstein-Taybi Syndrome. Identifiers: Orphanet 353284, Orphanet 783, MedGen C3150941, MONDO:0013364, OMIM 613684.

Allele frequency attached by ClinVar (database versions not stated): gnomAD 0.00009; gnomAD exomes 0.00014 and 0.00016; ExAC 0.00016; TOPMed 0.00018; ESP Exome Variant Server 0.00023.
gnomAD v4.1: 254 of 1,613,502 alleles (0.016%); highest among the groups gnomAD compares: Admixed American, 0.025%; no homozygotes.

Submissions (6):

Labcorp Genetics (formerly Invitae), Labcorp
Classification: Likely benign for Rubinstein-Taybi syndrome due to EP300 haploinsufficiency. Last evaluated: 2026-01-15. Review status: criteria provided, single submitter. Criteria: Invitae Variant Classification Sherloc (09022015). Collection method: clinical testing. Allele origin: germline.

CeGaT Center for Human Genetics Tuebingen
Classification: Likely benign. Last evaluated: 2025-08-01. Review status: criteria provided, single submitter. Criteria: CeGaT Center For Human Genetics Tuebingen Variant Classification Criteria Version 2. Collection method: clinical testing. Allele origin: germline. Affected: yes. Observed: 1 variant allele.
Comment: EP300: BP4

Blueprint Genetics
Classification: Likely benign. Last evaluated: 2024-07-29. Review status: criteria provided, single submitter. Criteria: ACMG Guidelines, 2015. Collection method: clinical testing. Allele origin: germline.

GeneDx
Classification: Likely benign. Last evaluated: 2020-07-20. Review status: criteria provided, single submitter. Criteria: GeneDx Variant Classification Process June 2021. Collection method: clinical testing. Allele origin: germline. Affected: yes.

Eurofins Ntd Llc (ga)
Classification: Uncertain significance. Last evaluated: 2015-02-09. Review status: criteria provided, single submitter. Criteria: EGL Classification Definitions 2015. Collection method: clinical testing. Allele origin: germline. Observed: 1 variant allele, 1 heterozygote.

PreventionGenetics, part of Exact Sciences
Classification: Likely benign for EP300-related condition. Last evaluated: 2021-06-24. Review status: no assertion criteria provided. Collection method: clinical testing. Allele origin: germline. Not counted in ClinVar's aggregate classification.
Comment: This variant is classified as likely benign based on ACMG/AMP sequence variant interpretation guidelines (Richards et al. 2015 PMID: 25741868, with internal and published modifications).